The following is an entry in ClinVar:

ClinVar aggregate classification (germline): Uncertain significance. Review status: criteria provided, multiple submitters, no conflicts (2 of 4 stars). 3 submissions from 3 submitters: Uncertain significance (3). Last evaluated 2025-06-07.

Conditions:
Inborn genetic diseases. Identifiers: MedGen C0950123, MeSH D030342.

Allele frequency attached by ClinVar (database versions not stated): gnomAD 0.00006 and 0.00008; TOPMed 0.00009; ExAC 0.00018; gnomAD exomes 0.00020; ESP Exome Variant Server 0.00023.
gnomAD v4.1: 202 of 1,613,696 alleles (0.013%); highest among the groups gnomAD compares: South Asian, 0.071%; 1 homozygote.

Submissions (3):

Ambry Genetics
Classification: Uncertain significance for Inborn genetic diseases. Last evaluated: 2025-06-07. Review status: criteria provided, single submitter. Criteria: Ambry Variant Classification Scheme 2023. Collection method: clinical testing. Allele origin: germline.

Blueprint Genetics
Classification: Uncertain significance. Last evaluated: 2024-11-19. Review status: criteria provided, single submitter. Criteria: ACMG Guidelines, 2015. Collection method: clinical testing. Allele origin: germline.

Labcorp Genetics (formerly Invitae), Labcorp
Classification: Uncertain significance. Last evaluated: 2022-08-23. Review status: criteria provided, single submitter. Criteria: Invitae Variant Classification Sherloc (09022015). Collection method: clinical testing. Allele origin: germline.
Comment: This sequence change replaces arginine, which is basic and polar, with tryptophan, which is neutral and slightly polar, at codon 617 of the GRM6 protein (p.Arg617Trp). The frequency data for this variant in the population databases is considered unreliable, as metrics indicate poor data quality at this position in the gnomAD database. This variant has not been reported in the literature in individuals affected with GRM6-related conditions. ClinVar contains an entry for this variant (Variation ID: 953535). Algorithms developed to predict the effect of missense changes on protein structure and function are either unavailable or do not agree on the potential impact of this missense change (SIFT: "Deleterious"; PolyPhen-2: "Probably Damaging"; Align-GVGD: "Class C0"). In summary, the available evidence is currently insufficient to determine the role of this variant in disease. Therefore, it has been classified as a Variant of Uncertain Significance.

NM_000843.4(GRM6):c.1849C>T (p.Arg617Trp)

Genes: GRM6 (glutamate metabotropic receptor 6; minus strand), ZNF454 (zinc finger protein 454; plus strand). Cytogenetic location: 5q35.3.
Variant type: single nucleotide variant.
Coding change: c.1849C>T on transcript NM_000843.4 (MANE Select); coding-DNA position 1849, C replaced by T.
Protein change: p.Arg617Trp; replaces arginine 617 with tryptophan.
Molecular consequence: missense variant.
Genome position (GRCh38, 1-based): chr5:178,986,405, G>A on the plus strand (C>T on the coding strand, the complement: GRM6 is on the minus strand). VCF-style: chr5-178986405-G-A. GRCh37 (hg19) VCF-style: chr5-178413406-G-A.
Other names: short protein forms R617W.
Identifiers: ClinVar variation 953535 (VCV000953535.8), dbSNP rs200868801, ClinGen allele CA3593908.